The following is an entry in ClinVar:

NM_001025603.2(RFX5):c.1380T>A (p.Ser460Arg)

Gene: RFX5 (regulatory factor X5; minus strand). Cytogenetic location: 1q21.3.
Variant type: single nucleotide variant.
Coding change: c.1380T>A on transcript NM_001025603.2 (MANE Select); coding-DNA position 1380, T replaced by A.
Protein change: p.Ser460Arg; replaces serine 460 with arginine.
Molecular consequence: missense variant.
Genome position (GRCh38, 1-based): chr1:151,342,657, A>T on the plus strand (T>A on the coding strand, the complement: RFX5 is on the minus strand). VCF-style: chr1-151342657-A-T. GRCh37 (hg19) VCF-style: chr1-151315133-A-T.
Other names: c.1380T>A, p.Ser460Arg (NM_000449.4, NM_001379412.1, NM_001379413.1 and 5 more transcripts); c.1260T>A, p.Ser420Arg (NM_001379419.1, NM_001379420.1); short protein forms S420R, S460R.
Identifiers: ClinVar variation 2044243 (VCV002044243.4), dbSNP rs773657539, ClinGen allele CA1089614.

ClinVar aggregate classification (germline): Uncertain significance. Review status: criteria provided, multiple submitters, no conflicts (2 of 4 stars). 2 submissions from 2 submitters: Uncertain significance (2). Last evaluated 2025-05-25.

Conditions:
MHC class II deficiency. Also called: Bare lymphocyte syndrome 2; BLS, TYPE II. Identifiers: Orphanet 572, MedGen C5447452, MONDO:0008855.

Allele frequency attached by ClinVar (database versions not stated): gnomAD exomes below 0.00001; ExAC 0.00002.
gnomAD v4.1: 2 of 1,614,072 alleles (0.00012%); highest among the groups gnomAD compares: Admixed American, 0.0033%; no homozygotes.

Submissions (2):

Ambry Genetics
Classification: Uncertain significance. Last evaluated: 2025-05-25. Review status: criteria provided, single submitter. Criteria: Ambry Variant Classification Scheme 2023. Collection method: clinical testing. Allele origin: germline.

Labcorp Genetics (formerly Invitae), Labcorp
Classification: Uncertain significance for MHC class II deficiency. Last evaluated: 2022-05-15. Review status: criteria provided, single submitter. Criteria: Invitae Variant Classification Sherloc (09022015). Collection method: clinical testing. Allele origin: germline.
Comment: In summary, the available evidence is currently insufficient to determine the role of this variant in disease. Therefore, it has been classified as a Variant of Uncertain Significance. Algorithms developed to predict the effect of missense changes on protein structure and function (SIFT, PolyPhen-2, Align-GVGD) all suggest that this variant is likely to be tolerated. This variant has not been reported in the literature in individuals affected with RFX5-related conditions. This variant is present in population databases (rs773657539, gnomAD 0.009%). This sequence change replaces serine, which is neutral and polar, with arginine, which is basic and polar, at codon 460 of the RFX5 protein (p.Ser460Arg).